The following is an entry in ClinVar:

ClinVar aggregate classification (germline): Uncertain significance. Review status: criteria provided, multiple submitters, no conflicts (2 of 4 stars). 2 submissions from 2 submitters: Uncertain significance (2). Last evaluated 2026-08-19.

Conditions:
Inborn genetic diseases. Identifiers: MedGen C0950123, MeSH D030342.
CEP164-related disorder. Also called: CEP164-related condition.

gnomAD v4.1: 2 of 1,612,648 alleles (0.00012%); highest among the groups gnomAD compares: East Asian, 0.0022%; no homozygotes.

Submissions (2):

PreventionGenetics, part of Exact Sciences
Classification: Uncertain significance for CEP164-related condition. Last evaluated: 2026-08-19. Review status: criteria provided, single submitter. Criteria: ACMG Guidelines, 2015. Collection method: clinical testing. Allele origin: germline.
Comment: The CEP164 c.3485G>T variant is predicted to result in the amino acid substitution p.Arg1162Leu. To our knowledge, this variant has not been reported in the literature or in a large population database (gnomAD), indicating this variant is rare. At this time, the clinical significance of this variant is uncertain due to the absence of conclusive functional and genetic evidence.

Ambry Genetics
Classification: Uncertain significance for Inborn genetic diseases. Last evaluated: 2025-06-10. Review status: criteria provided, single submitter. Criteria: Ambry Variant Classification Scheme 2023. Collection method: clinical testing. Allele origin: germline.

NM_014956.5(CEP164):c.3485G>T (p.Arg1162Leu)

Gene: CEP164 (centrosomal protein 164; plus strand). Cytogenetic location: 11q23.3.
Variant type: single nucleotide variant.
Coding change: c.3485G>T on transcript NM_014956.5 (MANE Select); coding-DNA position 3485, G replaced by T.
Protein change: p.Arg1162Leu; replaces arginine 1162 with leucine.
Molecular consequence: missense variant.
Genome position (GRCh38, 1-based): chr11:117,397,297, G>T. VCF-style: chr11-117397297-G-T. GRCh37 (hg19) VCF-style: chr11-117268013-G-T.
Other names: c.3494G>T, p.Arg1165Leu (NM_001271933.2); short protein forms R1162L, R1165L.
Identifiers: ClinVar variation 4000691 (VCV004000691.2).